The following is an entry in ClinVar:

NM_004268.5(MED17):c.210del (p.Trp70fs)

Genes: MED17 (mediator complex subunit 17; plus strand), LOC130006596 (ATAC-STARR-seq lymphoblastoid silent region 3840; plus strand). Cytogenetic location: 11q21.
Variant type: Deletion.
Coding change: c.210del on transcript NM_004268.5 (MANE Select); coding-DNA position 210, one base deleted (G; older notation c.210delG).
Protein change: p.Trp70fs; shifts the reading frame from tryptophan 70.
Molecular consequence: frameshift variant.
Genome position (GRCh38, 1-based): chr11:93,784,723, G deleted; the last of 2 consecutive G bases (chr11:93,784,722-93,784,723); deleting either gives the same sequence. VCF-style (leftmost placement, unchanged base first): chr11-93784721-TG-T. GRCh37 (hg19) VCF-style: chr11-93517887-TG-T.
Other names: short protein forms W70fs.
Identifiers: ClinVar variation 2024513 (VCV002024513.4), dbSNP rs2497512303, ClinGen allele CA2574951130.

ClinVar aggregate classification (germline): Pathogenic (1 of 4 stars; one submission).

Submission:

Labcorp Genetics (formerly Invitae), Labcorp
Classification: Pathogenic. Last evaluated: 2022-08-17. Review status: criteria provided, single submitter. Criteria: Invitae Variant Classification Sherloc (09022015). Collection method: clinical testing. Allele origin: germline.
Comment: This sequence change creates a premature translational stop signal (p.Trp70Cysfs*17) in the MED17 gene. It is expected to result in an absent or disrupted protein product. Loss-of-function variants in MED17 are known to be pathogenic (PMID: 20950787, 26004231, 30345598). This variant is not present in population databases (gnomAD no frequency). This variant has not been reported in the literature in individuals affected with MED17-related conditions. For these reasons, this variant has been classified as Pathogenic.

Literature cited by the submitters: PubMed 20950787; PubMed 26004231; PubMed 30345598.